The following is an entry in ClinVar:

ClinVar aggregate classification (germline): Uncertain significance. Review status: criteria provided, single submitter (1 of 4 stars). 2 submissions from 2 submitters: Uncertain significance (1). 1 of the submissions does not count toward it. Last evaluated 2022-07-05.

Conditions:
CFAP410-related disorder. Also called: CFAP410-related condition.

Allele frequency attached by ClinVar (database versions not stated): gnomAD 0.00001.

Submissions (2):

Labcorp Genetics (formerly Invitae), Labcorp
Classification: Uncertain significance. Last evaluated: 2022-07-05. Review status: criteria provided, single submitter. Criteria: Invitae Variant Classification Sherloc (09022015). Collection method: clinical testing. Allele origin: germline.
Comment: In summary, the available evidence is currently insufficient to determine the role of this variant in disease. Therefore, it has been classified as a Variant of Uncertain Significance. Variants that disrupt the consensus splice site are a relatively common cause of aberrant splicing (PMID: 17576681, 9536098). Algorithms developed to predict the effect of sequence changes on RNA splicing suggest that this variant is not likely to affect RNA splicing. ClinVar contains an entry for this variant (Variation ID: 1461781). This variant has not been reported in the literature in individuals affected with CFAP410-related conditions. This variant is not present in population databases (gnomAD no frequency). This sequence change falls in intron 1 of the CFAP410 gene. It does not directly change the encoded amino acid sequence of the CFAP410 protein. It affects a nucleotide within the consensus splice site.

PreventionGenetics, part of Exact Sciences
Classification: Likely benign for CFAP410-related condition. Last evaluated: 2022-08-01. Review status: no assertion criteria provided. Collection method: clinical testing. Allele origin: germline. Not counted in ClinVar's aggregate classification.
Comment: This variant is classified as likely benign based on ACMG/AMP sequence variant interpretation guidelines (Richards et al. 2015 PMID: 25741868, with internal and published modifications).

Literature cited by the submitters: PubMed 17576681 (cited by Labcorp Genetics (formerly Invitae), Labcorp); PubMed 9536098 (cited by Labcorp Genetics (formerly Invitae), Labcorp).

NM_004928.3(CFAP410):c.77+6G>A

Genes: CFAP410 (cilia and flagella associated protein 410; minus strand), LOC130066823 (ATAC-STARR-seq lymphoblastoid silent region 13383; plus strand). Cytogenetic location: 21q22.3.
Variant type: single nucleotide variant.
Coding change: c.77+6G>A on transcript NM_004928.3 (MANE Select); 6 bases into the intron after coding-DNA position 77, G replaced by A.
Molecular consequence: intron variant.
Genome position (GRCh38, 1-based): chr21:44,339,112, C>T on the plus strand (G>A on the coding strand, the complement: CFAP410 is on the minus strand). VCF-style: chr21-44339112-C-T. GRCh37 (hg19) VCF-style: chr21-45758995-C-T.
Other names: c.77+6G>A (NM_001271440.2, NM_001271441.2, NM_004928.2).
Identifiers: ClinVar variation 1461781 (VCV001461781.5), dbSNP rs1473583739, ClinGen allele CA749669358.